The following is an entry in ClinVar:

NM_015404.4(WHRN):c.2621G>C (p.Gly874Ala)

Gene: WHRN (whirlin; minus strand). Cytogenetic location: 9q32.
Variant type: single nucleotide variant.
Coding change: c.2621G>C on transcript NM_015404.4 (MANE Select); coding-DNA position 2621, G replaced by C.
Protein change: p.Gly874Ala; replaces glycine 874 with alanine.
Molecular consequence: missense variant.
Genome position (GRCh38, 1-based): chr9:114,402,857, C>G on the plus strand (G>C on the coding strand, the complement: WHRN is on the minus strand). VCF-style: chr9-114402857-C-G. GRCh37 (hg19) VCF-style: chr9-117165137-C-G.
Other names: c.1472G>C, p.Gly491Ala (NM_001083885.3); c.2618G>C, p.Gly873Ala (NM_001173425.2); c.1568G>C, p.Gly523Ala (NM_001346890.1); short protein forms G874A, G523A, G491A, G873A.
Identifiers: ClinVar variation 505112 (VCV000505112.6), dbSNP rs756466784, ClinGen allele CA5205568.
Genomic context (GRCh38, chr9:114,402,857, plus strand): 5'-TCACGGTCCTTAGTCTTGAAGGCCTCGGCGATAATGCGGGCGGCCTCCCGGTGCTCCTTG[C>G]CCCGAAGCGTCAGCCCATTCACTTCCAGAATCACGTGGCCCACCTTGAGCTGCCCACAGT-3'
Protein context (NP_056219.3, residues 864-884): ILEVNGLTLR[Gly874Ala]KEHREAARII

ClinVar aggregate classification (germline): Uncertain significance. Review status: criteria provided, multiple submitters, no conflicts (2 of 4 stars). 2 submissions from 2 submitters: Uncertain significance (2). Last evaluated 2024-02-28.

Allele frequency attached by ClinVar (database versions not stated): gnomAD below 0.00001 and 0.00001; gnomAD exomes 0.00001.
gnomAD v4.1: 11 of 1,613,968 alleles (0.00068%); highest among the groups gnomAD compares: South Asian, 0.012%; no homozygotes.

Submissions (2):

Blueprint Genetics
Classification: Uncertain significance. Last evaluated: 2024-02-28. Review status: criteria provided, single submitter. Criteria: ACMG Guidelines, 2015. Collection method: clinical testing. Allele origin: germline.

Laboratory for Molecular Medicine, Mass General Brigham Personalized Medicine
Classification: Uncertain significance. Last evaluated: 2016-06-21. Review status: criteria provided, single submitter. Criteria: LMM Criteria. Collection method: clinical testing. Allele origin: germline. Observed: 1 variant allele.
Comment: The p.Gly874Ala variant in DFNB31 has not been previously reported in individual s with hearing loss. This variant has been identified in 2/16354 South Asian chr omosomes by the Exome Aggregation Consortium (ExAC, rg; dbSNP rs756466784); however, its frequency is not high enough to rule out a pathogenic role. Computational prediction tools and conservation analyses sugges t that this variant may not impact the protein, though this information is not p redictive enough to rule out pathogenicity. In summary, the clinical significanc e of the p.Gly874Ala variant is uncertain.